The following is an entry in ClinVar:

ClinVar aggregate classification (germline): Benign/Likely benign. Review status: criteria provided, multiple submitters, no conflicts (2 of 4 stars). 6 submissions from 6 submitters: Benign (1); Likely benign (3). 2 of the submissions do not count toward it. Last evaluated 2025-07-01.

Conditions:
Inborn genetic diseases. Identifiers: MedGen C0950123, MeSH D030342.
Alpha thalassemia-X-linked intellectual disability syndrome (ATRX). Also called: ALPHA-THALASSEMIA/MENTAL RETARDATION SYNDROME, X-LINKED; ATR, NONDELETION TYPE; X-linked alpha-thalassemia-mental retardation syndrome; ALPHA-THALASSEMIA/IMPAIRED INTELLECTUAL DEVELOPMENT SYNDROME, X-LINKED; ATR-X syndrome; Alpha thalassemia mental retardation syndrome, nondeletion type, X-linked. Identifiers: Orphanet 847, MedGen C1845055, MONDO:0010519, OMIM 301040.

Allele frequency attached by ClinVar (database versions not stated): gnomAD exomes 0.00010 and 0.00016; gnomAD 0.00011 and 0.00010; ExAC 0.00015; TOPMed 0.00015; ESP Exome Variant Server 0.00019.
gnomAD v4.1: 192 of 1,208,755 alleles (0.016%); highest among the groups gnomAD compares: Non-Finnish European, 0.02%; 1 homozygote.

Submissions (6):

CeGaT Center for Human Genetics Tuebingen
Classification: Likely benign. Last evaluated: 2025-07-01. Review status: criteria provided, single submitter. Criteria: CeGaT Center For Human Genetics Tuebingen Variant Classification Criteria Version 2. Collection method: clinical testing. Allele origin: germline. Affected: yes. Observed: 1 variant allele.
Comment: ATRX: PP2, BS2

Labcorp Genetics (formerly Invitae), Labcorp
Classification: Benign for Alpha thalassemia-X-linked intellectual disability syndrome. Last evaluated: 2025-05-19. Review status: criteria provided, single submitter. Criteria: Invitae Variant Classification Sherloc (09022015). Collection method: clinical testing. Allele origin: germline.

Blueprint Genetics
Classification: Likely benign. Last evaluated: 2023-12-28. Review status: criteria provided, single submitter. Criteria: ACMG Guidelines, 2015. Collection method: clinical testing. Allele origin: germline.

Ambry Genetics
Classification: Likely benign for Inborn genetic diseases. Last evaluated: 2016-12-12. Review status: criteria provided, single submitter. Criteria: Ambry Variant Classification Scheme 2023. Collection method: clinical testing. Allele origin: germline.

Clinical Genetics DNA and cytogenetics Diagnostics Lab, Erasmus MC, Erasmus Medical Center
Classification: Likely benign. Review status: no assertion criteria provided. Collection method: clinical testing. Allele origin: germline. Affected: yes. Study: VKGL Data-share Consensus. Not counted in ClinVar's aggregate classification.

Laboratory of Diagnostic Genome Analysis, Leiden University Medical Center (LUMC)
Classification: Likely benign. Review status: no assertion criteria provided. Collection method: clinical testing. Allele origin: germline. Affected: yes. Study: VKGL Data-share Consensus. Not counted in ClinVar's aggregate classification.

NM_000489.6(ATRX):c.6869A>G (p.Asn2290Ser)

Gene: ATRX (ATRX chromatin remodeler; minus strand). Cytogenetic location: Xq21.1.
Variant type: single nucleotide variant.
Coding change: c.6869A>G on transcript NM_000489.6 (MANE Select); coding-DNA position 6869, A replaced by G.
Protein change: p.Asn2290Ser; replaces asparagine 2290 with serine.
Molecular consequence: missense variant.
Genome position (GRCh38, 1-based): chrX:77,522,369, T>C on the plus strand (A>G on the coding strand, the complement: ATRX is on the minus strand). VCF-style: chrX-77522369-T-C. GRCh37 (hg19) VCF-style: chrX-76777847-T-C.
Other names: c.6755A>G, p.Asn2252Ser (NM_138270.5); short protein forms N2290S, N2252S.
Identifiers: ClinVar variation 465065 (VCV000465065.27), dbSNP rs368498507, ClinGen allele CA10457448.